The following is an entry in ClinVar:

NM_005591.4(MRE11):c.677C>G (p.Thr226Ser)

Gene: MRE11 (MRE11 double strand break repair nuclease; minus strand). Cytogenetic location: 11q21.
Variant type: single nucleotide variant.
Coding change: c.677C>G on transcript NM_005591.4 (MANE Select); coding-DNA position 677, C replaced by G.
Protein change: p.Thr226Ser; replaces threonine 226 with serine.
Molecular consequence: missense variant.
Genome position (GRCh38, 1-based): chr11:94,471,742, G>C on the plus strand (C>G on the coding strand, the complement: MRE11 is on the minus strand). VCF-style: chr11-94471742-G-C. GRCh37 (hg19) VCF-style: chr11-94204908-G-C.
Other names: c.677C>G, p.Thr226Ser (NM_001330347.2, NM_005590.4); c.677C>G (NM_005590.3); short protein forms T226S.
Identifiers: ClinVar variation 407892 (VCV000407892.14), dbSNP rs201276188, ClinGen allele CA6235316.

ClinVar aggregate classification (germline): Conflicting classifications of pathogenicity. Review status: criteria provided, conflicting classifications (1 of 4 stars). 3 submissions from 3 submitters: Uncertain significance (2); Benign (1). Last evaluated 2025-07-11.

Conditions:
Ataxia-telangiectasia-like disorder (ATLD). Identifiers: MedGen C1858391, MONDO:0011457.
Hereditary cancer-predisposing syndrome. Also called: Hereditary Cancer Syndrome; Hereditary neoplastic syndrome; Neoplastic Syndromes, Hereditary; Tumor predisposition. Identifiers: Orphanet 140162, MedGen C0027672, MeSH D009386, MONDO:0015356.
Ovarian cancer. Also called: OVARIAN CANCER, SOMATIC. Identifiers: Orphanet 213500, MedGen C1140680, MONDO:0008170, OMIM 167000.

Allele frequency attached by ClinVar (database versions not stated): gnomAD 0.00003; 1000 Genomes Project 30x 0.00016; 1000 Genomes Project 0.00020.
gnomAD v4.1: 4 of 1,611,456 alleles (0.00025%); highest among the groups gnomAD compares: East Asian, 0.0089%; no homozygotes.

Submissions (3):

Ambry Genetics
Classification: Uncertain significance for Hereditary cancer-predisposing syndrome. Last evaluated: 2025-07-11. Review status: criteria provided, single submitter. Criteria: Ambry Variant Classification Scheme 2023. Collection method: clinical testing. Allele origin: germline.
Comment: The p.T226S variant (also known as c.677C>G), located in coding exon 7 of the MRE11A gene, results from a C to G substitution at nucleotide position 677. The threonine at codon 226 is replaced by serine, an amino acid with similar properties. This amino acid position is highly conserved in available vertebrate species. In addition, the in silico prediction for this alteration is inconclusive. Since supporting evidence is limited at this time, the clinical significance of this alteration remains unclear.

Labcorp Genetics (formerly Invitae), Labcorp
Classification: Uncertain significance for Ataxia-telangiectasia-like disorder. Last evaluated: 2022-04-12. Review status: criteria provided, single submitter. Criteria: Invitae Variant Classification Sherloc (09022015). Collection method: clinical testing. Allele origin: germline.
Comment: This sequence change replaces threonine, which is neutral and polar, with serine, which is neutral and polar, at codon 226 of the MRE11 protein (p.Thr226Ser). This variant is present in population databases (rs201276188, gnomAD 0.02%). This variant has not been reported in the literature in individuals affected with MRE11-related conditions. ClinVar contains an entry for this variant (Variation ID: 407892). Algorithms developed to predict the effect of missense changes on protein structure and function (SIFT, PolyPhen-2, Align-GVGD) all suggest that this variant is likely to be tolerated. In summary, the available evidence is currently insufficient to determine the role of this variant in disease. Therefore, it has been classified as a Variant of Uncertain Significance.

Laboratory of Molecular Epidemiology of Birth Defects, West China Second University Hospital, Sichuan University
Classification: Benign for Ovarian cancer. Last evaluated: 2022-01-01. Review status: criteria provided, single submitter. Criteria: ACMG Guidelines, 2015. Collection method: clinical testing. Allele origin: germline. Affected: yes.